The following is an entry in ClinVar:

ClinVar aggregate classification (germline): Pathogenic (1 of 4 stars; one submission).

Conditions:
Primary ciliary dyskinesia. Also called: Ciliary dyskinesia. Identifiers: Orphanet 244, MedGen C0008780, MONDO:0016575, HP:0012265.

Submission:

Labcorp Genetics (formerly Invitae), Labcorp
Classification: Pathogenic for Primary ciliary dyskinesia. Last evaluated: 2022-06-05. Review status: criteria provided, single submitter. Criteria: Invitae Variant Classification Sherloc (09022015). Collection method: clinical testing. Allele origin: germline.
Comment: For these reasons, this variant has been classified as Pathogenic. Experimental studies and prediction algorithms are not available or were not evaluated, and the functional significance of this variant is currently unknown. A similar copy number variant has been observed in individual(s) with primary ciliary dyskinesia (Invitae). In at least one individual the data is consistent with being in trans (on the opposite chromosome) from a pathogenic variant. This variant is a gross deletion of the genomic region encompassing exon(s) 13 of the DNAAF5 gene, which includes the termination codon. This deletion extends beyond the assayed region for this gene and therefore may encompass additional genes. While this deletion is not anticipated to lead to nonsense mediated decay, it is expected to alter mRNA translation or result in a truncated protein product.

NC_000007.13:g.(?_825134)_(825290_?)del

Gene: DNAAF5 (dynein axonemal assembly factor 5; plus strand). Cytogenetic location: 7p22.3.
Variant type: Deletion.
Identifiers: ClinVar variation 1459043 (VCV001459043.13).